The following is an entry in ClinVar:

ClinVar aggregate classification (germline): Uncertain significance (1 of 4 stars; one submission).

Submission:

Labcorp Genetics (formerly Invitae), Labcorp
Classification: Uncertain significance. Last evaluated: 2024-02-20. Review status: criteria provided, single submitter. Criteria: Invitae Variant Classification Sherloc (09022015). Collection method: clinical testing. Allele origin: germline.
Comment: This sequence change replaces glutamic acid, which is acidic and polar, with glycine, which is neutral and non-polar, at codon 2253 of the POLE protein (p.Glu2253Gly). This variant is not present in population databases (gnomAD no frequency). This variant has not been reported in the literature in individuals affected with POLE-related conditions. Advanced modeling of protein sequence and biophysical properties (such as structural, functional, and spatial information, amino acid conservation, physicochemical variation, residue mobility, and thermodynamic stability) performed at Invitae indicates that this missense variant is not expected to disrupt POLE protein function with a negative predictive value of 80%. In summary, the available evidence is currently insufficient to determine the role of this variant in disease. Therefore, it has been classified as a Variant of Uncertain Significance.

NM_006231.4(POLE):c.6758A>G (p.Glu2253Gly)

Gene: POLE (DNA polymerase epsilon, catalytic subunit; minus strand). Cytogenetic location: 12q24.33.
Variant type: single nucleotide variant.
Coding change: c.6758A>G on transcript NM_006231.4 (MANE Select); coding-DNA position 6758, A replaced by G.
Protein change: p.Glu2253Gly; replaces glutamic acid 2253 with glycine.
Molecular consequence: missense variant.
Genome position (GRCh38, 1-based): chr12:132,624,800, T>C on the plus strand (A>G on the coding strand, the complement: POLE is on the minus strand). VCF-style: chr12-132624800-T-C. GRCh37 (hg19) VCF-style: chr12-133201386-T-C.
Other names: short protein forms E2253G.
Identifiers: ClinVar variation 3642219 (VCV003642219.2).